The following is an entry in ClinVar:

NM_001110556.2(FLNA):c.3709G>A (p.Gly1237Ser)

Gene: FLNA (filamin A; minus strand). Cytogenetic location: Xq28.
Variant type: single nucleotide variant.
Coding change: c.3709G>A on transcript NM_001110556.2 (MANE Select); coding-DNA position 3709, G replaced by A.
Protein change: p.Gly1237Ser; replaces glycine 1237 with serine.
Molecular consequence: missense variant.
Genome position (GRCh38, 1-based): chrX:154,360,086, C>T on the plus strand (G>A on the coding strand, the complement: FLNA is on the minus strand). VCF-style: chrX-154360086-C-T. GRCh37 (hg19) VCF-style: chrX-153588454-C-T.
Other names: c.3709G>A, p.Gly1237Ser (NM_001456.4); short protein forms G1237S.
Identifiers: ClinVar variation 2626173 (VCV002626173.2), dbSNP rs2522740469, ClinGen allele CA415223092.

ClinVar aggregate classification (germline): Uncertain significance (1 of 4 stars; one submission).

Conditions:
Familial thoracic aortic aneurysm and aortic dissection (TAAD). Also called: Thoracic aortic aneurysms and dissections. Identifiers: Orphanet 91387, MedGen C4707243, MONDO:0019625.

Submission:

Ambry Genetics
Classification: Uncertain significance for Familial thoracic aortic aneurysm and aortic dissection. Last evaluated: 2023-09-11. Review status: criteria provided, single submitter. Criteria: Ambry Variant Classification Scheme 2023. Collection method: clinical testing. Allele origin: germline.
Comment: The p.G1237S variant (also known as c.3709G>A), located in coding exon 21 of the FLNA gene, results from a G to A substitution at nucleotide position 3709. The glycine at codon 1237 is replaced by serine, an amino acid with similar properties. This amino acid position is highly conserved in available vertebrate species. In addition, the in silico prediction for this alteration is inconclusive. Since supporting evidence is limited at this time, the clinical significance of this alteration remains unclear.